The following is an entry in ClinVar:

NM_000492.4(CFTR):c.2077T>A (p.Phe693Ile)

Gene: CFTR (CF transmembrane conductance regulator; plus strand). Cytogenetic location: 7q31.2.
Variant type: single nucleotide variant.
Coding change: c.2077T>A on transcript NM_000492.4 (MANE Select); coding-DNA position 2077, T replaced by A.
Protein change: p.Phe693Ile; replaces phenylalanine 693 with isoleucine.
Molecular consequence: missense variant.
Genome position (GRCh38, 1-based): chr7:117,592,244, T>A. VCF-style: chr7-117592244-T-A. GRCh37 (hg19) VCF-style: chr7-117232298-T-A.
Other names: short protein forms F693I.
Identifiers: ClinVar variation 4868859 (VCV004868859.1).

ClinVar aggregate classification (germline): Uncertain significance (1 of 4 stars; one submission).

Conditions:
Cystic fibrosis (CF). Also called: MUCOVISCIDOSIS. Identifiers: Orphanet 586, MedGen C0010674, MONDO:0009061, OMIM 219700. Disease mechanism: loss of function.

Submission:

Ambry Genetics
Classification: Uncertain significance for Cystic fibrosis. Last evaluated: 2026-06-10. Review status: criteria provided, single submitter. Criteria: Ambry Variant Classification Scheme 2023. Collection method: clinical testing. Allele origin: germline.
Comment: The p.F693I variant (also known as c.2077T>A), located in coding exon 14 of the CFTR gene, results from a T to A substitution at nucleotide position 2077. The phenylalanine at codon 693 is replaced by isoleucine, an amino acid with highly similar properties. This amino acid position is well conserved in available vertebrate species. In addition, the in silico prediction for this alteration is inconclusive. Based on the available evidence, the clinical significance of this variant remains unclear.